The following is an entry in ClinVar:

ClinVar aggregate classification (germline): Pathogenic (1 of 4 stars; one submission).

Conditions:
Inborn genetic diseases. Identifiers: MedGen C0950123, MeSH D030342.

Submission:

Ambry Genetics
Classification: Pathogenic for Inborn genetic diseases. Last evaluated: 2025-05-30. Review status: criteria provided, single submitter. Criteria: Ambry Variant Classification Scheme 2023. Collection method: clinical testing. Allele origin: germline.
Comment: The c.199delG pathogenic mutation, located in coding exon 2 of the MBD4 gene, results from a deletion of one nucleotide at nucleotide position 199, causing a translational frameshift with a predicted alternate stop codon (p.E67Nfs*28). This variant is considered to be rare based on population cohorts in the Genome Aggregation Database (gnomAD). This alteration is expected to result in loss of function by premature protein truncation or nonsense-mediated mRNA decay. As such, this alteration is interpreted as a disease-causing mutation.

NM_001276270.2(MBD4):c.199del (p.Glu67fs)

Gene: MBD4 (methyl-CpG binding domain 4, DNA glycosylase; minus strand). Cytogenetic location: 3q21.3.
Variant type: Deletion.
Coding change: c.199del on transcript NM_001276270.2 (MANE Select); coding-DNA position 199, one base deleted (G; older notation c.199delG).
Protein change: p.Glu67fs; shifts the reading frame from glutamic acid 67.
Molecular consequence: frameshift variant.
Genome position (GRCh38, 1-based): chr3:129,437,856, C deleted on the plus strand (G on the coding strand, the reverse complement: MBD4 is on the minus strand). VCF-style (leftmost placement, unchanged base first): chr3-129437855-TC-T. GRCh37 (hg19) VCF-style: chr3-129156698-TC-T.
Other names: c.199del, p.Glu67fs (NM_001276271.2, NM_001276272.2, NM_001276273.2 and 1 more transcripts); c.199delG (NM_001276270.2); short protein forms E67fs.
Identifiers: ClinVar variation 4052233 (VCV004052233.1).